The following is an entry in ClinVar:

NM_031433.4(MFRP):c.870T>G (p.Asp290Glu)

Genes: C1QTNF5 (C1q and TNF related 5; minus strand), MFRP (membrane frizzled-related protein; minus strand). Cytogenetic location: 11q23.3.
Variant type: single nucleotide variant.
Coding change: c.870T>G on transcript NM_031433.4 (MANE Select); coding-DNA position 870, T replaced by G.
Protein change: p.Asp290Glu; replaces aspartic acid 290 with glutamic acid.
Molecular consequence: missense variant. On other transcripts: 5 prime UTR variant (1).
Genome position (GRCh38, 1-based): chr11:119,344,660, A>C on the plus strand (T>G on the coding strand, the complement: MFRP is on the minus strand). VCF-style: chr11-119344660-A-C. GRCh37 (hg19) VCF-style: chr11-119215370-A-C.
Other names: c.-1767T>G (NM_015645.5); short protein forms D290E.
Identifiers: ClinVar variation 1349191 (VCV001349191.8), dbSNP rs2135372068, ClinGen allele CA382976498.
Genomic context (GRCh38, chr11:119,344,660, plus strand): 5'-CTGAAGAGAGGACCCCCATGCCTGGCCCGTACCCGAGAACTTGGCACTGCAATTGGTCTC[A>C]TCACTGCCGTCAGCACAGTTGGCAAAACCATCACACACTGAGTCAGGTAGCAGGCAGATG-3'
Protein context (NP_113621.1, residues 280-300): DGFANCADGS[Asp290Glu]ETNCSAKFSG

ClinVar aggregate classification (germline): Uncertain significance (1 of 4 stars; one submission).

Conditions:
Isolated microphthalmia 5. Also called: Posterior Microphthalmia with Retinitis Pigmentosa, Foveoschisis, and Optic Disc Drusen. Identifiers: Orphanet 251279, MedGen C1970236, MONDO:0012605, OMIM 611040.

Submission:

Labcorp Genetics (formerly Invitae), Labcorp
Classification: Uncertain significance for Isolated microphthalmia 5. Last evaluated: 2020-11-24. Review status: criteria provided, single submitter. Criteria: Invitae Variant Classification Sherloc (09022015). Collection method: clinical testing. Allele origin: germline.
Comment: In summary, the available evidence is currently insufficient to determine the role of this variant in disease. Therefore, it has been classified as a Variant of Uncertain Significance. Algorithms developed to predict the effect of missense changes on protein structure and function are either unavailable or do not agree on the potential impact of this missense change (SIFT: "Tolerated"; PolyPhen-2: "Probably Damaging"; Align-GVGD: "Class C0"). This variant has not been reported in the literature in individuals with MFRP-related conditions. This variant is not present in population databases (ExAC no frequency). This sequence change replaces aspartic acid with glutamic acid at codon 290 of the MFRP protein (p.Asp290Glu). The aspartic acid residue is highly conserved and there is a small physicochemical difference between aspartic acid and glutamic acid.